The following is an entry in ClinVar:

ClinVar aggregate classification (germline): Likely benign (0 of 4 stars; one submission).

Conditions:
BRSK2-related disorder. Also called: BRSK2-related condition; BRSK2-Related Disorders.

gnomAD v4.1: 1 of 1,462,436 alleles (0.000068%); highest among the groups gnomAD compares: Non-Finnish European, 0.00009%; no homozygotes.

Submission:

PreventionGenetics, part of Exact Sciences
Classification: Likely benign for BRSK2-related condition. Last evaluated: 2019-04-11. Review status: no assertion criteria provided. Collection method: clinical testing. Allele origin: germline.
Comment: This variant is classified as likely benign based on ACMG/AMP sequence variant interpretation guidelines (Richards et al. 2015 PMID: 25741868, with internal and published modifications).

NM_001256627.2(BRSK2):c.91+21020G>A

Gene: BRSK2 (BR serine/threonine kinase 2; plus strand). Cytogenetic location: 11p15.5.
Variant type: single nucleotide variant.
Coding change: c.91+21020G>A on transcript NM_001256627.2 (MANE Select); 21020 bases into the intron after coding-DNA position 91, G replaced by A.
Molecular consequence: intron variant. On other transcripts: 5 prime UTR variant (1).
Genome position (GRCh38, 1-based): chr11:1,411,395, G>A. VCF-style: chr11-1411395-G-A. GRCh37 (hg19) VCF-style: chr11-1432625-G-A.
Other names: c.-10G>A (NM_001256630.1); c.91+21020G>A (NM_001256629.2, NM_003957.4); c.-90+489G>A (NM_001282218.2).
Identifiers: ClinVar variation 3047753 (VCV003047753.2), dbSNP rs1439763975, ClinGen allele CA2611891951.